The following is an entry in ClinVar:

NM_000048.4(ASL):c.524+2T>G

Gene: ASL (argininosuccinate lyase; plus strand). Cytogenetic location: 7q11.21.
Variant type: single nucleotide variant.
Coding change: c.524+2T>G on transcript NM_000048.4 (MANE Select); the canonical splice donor site of the intron after coding-DNA position 524, T replaced by G.
Molecular consequence: splice donor variant.
Genome position (GRCh38, 1-based): chr7:66,086,664, T>G. VCF-style: chr7-66086664-T-G. GRCh37 (hg19) VCF-style: chr7-65551651-T-G.
Other names: c.524+2T>G (NM_001024943.2, NM_001024944.2, NM_001024946.2).
Identifiers: ClinVar variation 224981 (VCV000224981.19), dbSNP rs869312976, ClinGen allele CA357212.

ClinVar aggregate classification (germline): Pathogenic. Review status: criteria provided, multiple submitters, no conflicts (2 of 4 stars). 8 submissions from 8 submitters: Pathogenic (7). 1 of the submissions does not count toward it. Last evaluated 2025-05-13.

Conditions:
Argininosuccinate lyase deficiency. Also called: Argininosuccinic aciduria; ARGININOSUCCINIC ACID LYASE DEFICIENCY; ASL DEFICIENCY. Identifiers: Orphanet 23, MedGen C0268547, MONDO:0008815, OMIM 207900, HP:0025630.

Allele frequency attached by ClinVar (database versions not stated): gnomAD exomes below 0.00001; TOPMed 0.00001; gnomAD 0.00002.
gnomAD v4.1: 7 of 1,613,644 alleles (0.00043%); highest among the groups gnomAD compares: Non-Finnish European, 0.00059%; no homozygotes.

Submissions (8):

Women's Health and Genetics/Laboratory Corporation of America, LabCorp
Classification: Pathogenic for Argininosuccinate lyase deficiency. Last evaluated: 2025-05-13. Review status: criteria provided, single submitter. Criteria: LabCorp Variant Classification Summary - May 2015. Collection method: clinical testing. Allele origin: germline.
Comment: Variant summary: ASL c.524+2T>G is located in a canonical splice-site and is predicted to affect mRNA splicing resulting in a significantly altered protein due to either exon skipping, shortening, or inclusion of intronic material. Variants that disrupt the consensus splice site are a relatively common cause of aberrant splicing and loss of ASL function. Several computational tools predict a significant impact on normal splicing: Four predict the variant abolishes a canonical 5' splicing donor site. At least one publication reports experimental evidence that this variant affects mRNA splicing (Trevison_2007). The variant allele was found at a frequency of 4e-06 in 250432 control chromosomes (gnomAD). c.524+2T>G has been observed in individuals affected with Argininosuccinic Aciduria (Trevisson_2007). The following publication has been ascertained in the context of this evaluation (PMID: 17326097). ClinVar contains an entry for this variant (Variation ID: 224981). Based on the evidence outlined above, the variant was classified as pathogenic.

Natera, Inc.
Classification: Pathogenic for Argininosuccinate lyase deficiency. Last evaluated: 2025-02-28. Review status: criteria provided, single submitter. Criteria: Natera Variant Classification Schema (03/2026). Collection method: clinical testing. Allele origin: germline.
Comment: The c.524+2T>G variant in ASL is a canonical splice donor site variant predicted to affect pre-mRNA splicing, which may result in an abnormal transcript and altered protein product. This variant is expected to result in nonsense mediated decay, truncation, or a dysfunctional protein product. This variant is rare in the general population with a frequency below the threshold expected for the associated phenotype(s). This variant has been observed in one or more individuals affected with the associated recessive disease, as either homozygous or compound heterozygous with a second variant (PMID: 17326097). Given the available evidence, this variant is classified as Pathogenic.

Baylor Genetics
Classification: Pathogenic for Argininosuccinate lyase deficiency. Last evaluated: 2024-02-29. Review status: criteria provided, single submitter. Criteria: ACMG Guidelines, 2015. Collection method: clinical testing. Allele origin: unknown.

Fulgent Genetics
Classification: Pathogenic for Argininosuccinate lyase deficiency. Last evaluated: 2024-01-21. Review status: criteria provided, single submitter. Criteria: ACMG Guidelines, 2015. Collection method: clinical testing. Allele origin: germline.

Labcorp Genetics (formerly Invitae), Labcorp
Classification: Pathogenic for Argininosuccinate lyase deficiency. Last evaluated: 2023-12-21. Review status: criteria provided, single submitter. Criteria: Invitae Variant Classification Sherloc (09022015). Collection method: clinical testing. Allele origin: germline.
Comment: This sequence change affects a donor splice site in intron 7 of the ASL gene. RNA analysis indicates that disruption of this splice site induces altered splicing and likely results in a shortened protein product. This variant is present in population databases (no rsID available, gnomAD 0.002%). Disruption of this splice site has been observed in individual(s) with argininosuccinic aciduria (PMID: 17326097). In at least one individual the data is consistent with being in trans (on the opposite chromosome) from a pathogenic variant. ClinVar contains an entry for this variant (Variation ID: 224981). Studies have shown that disruption of this splice site results in skipping of exon 7 (also known as exon 6), but is expected to preserve the integrity of the reading-frame (PMID: 17326097). For these reasons, this variant has been classified as Pathogenic.

Department of Pathology and Laboratory Medicine, Sinai Health System
Classification: Pathogenic for Argininosuccinate lyase deficiency. Last evaluated: 2022-11-10. Review status: criteria provided, single submitter. Criteria: ACMG Guidelines, 2015. Collection method: research. Allele origin: germline.

SNPedia
Classification: Pathogenic for Argininosuccinate lyase deficiency. Review status: criteria provided, single submitter. Criteria: literature. Collection method: literature only. Allele origin: germline. Inheritance: Autosomal recessive inheritance. Affected: yes.

Counsyl
Classification: Pathogenic for Argininosuccinate lyase deficiency. Last evaluated: 2017-07-11. Review status: no assertion criteria provided. Collection method: clinical testing. Allele origin: unknown. Not counted in ClinVar's aggregate classification.

Literature cited by the submitters: PubMed 17326097 (cited by 4 submitters); PubMed 24166829 (cited by Counsyl).